The following is an entry in ClinVar:

ClinVar aggregate classification (germline): Uncertain significance (1 of 4 stars; one submission).

Conditions:
Hereditary nonpolyposis colorectal neoplasms. Identifiers: MedGen C0009405, MeSH D003123.

Submission:

Labcorp Genetics (formerly Invitae), Labcorp
Classification: Uncertain significance for Hereditary nonpolyposis colorectal neoplasms. Last evaluated: 2016-09-05. Review status: criteria provided, single submitter. Criteria: Invitae Variant Classification Sherloc (09022015). Collection method: clinical testing. Allele origin: germline.
Comment: Algorithms developed to predict the effect of missense changes on protein structure and function do not agree on the potential impact of this missense change (SIFT: "Tolerated"; PolyPhen-2: "Probably Damaging"; Align-GVGD: "Class C0"). This variant is not present in population databases (ExAC no frequency) and has not been reported in the literature in individuals with a MSH6-related disease. This sequence change replaces leucine with proline at codon 926 of the MSH6 protein (p.Leu926Pro). The leucine residue is weakly conserved and there is a moderate physicochemical difference between leucine and proline. In summary, this variant is a novel missense change with uncertain impact on protein function. It has been classified as a Variant of Uncertain Significance.

NM_000179.3(MSH6):c.2777T>C (p.Leu926Pro)

Gene: MSH6 (mutS homolog 6; plus strand). Cytogenetic location: 2p16.3.
Variant type: single nucleotide variant.
Coding change: c.2777T>C on transcript NM_000179.3 (MANE Select); coding-DNA position 2777, T replaced by C.
Protein change: p.Leu926Pro; replaces leucine 926 with proline.
Molecular consequence: missense variant.
Genome position (GRCh38, 1-based): chr2:47,800,760, T>C. VCF-style: chr2-47800760-T-C. GRCh37 (hg19) VCF-style: chr2-48027899-T-C.
Other names: c.2387T>C, p.Leu796Pro (NM_001281492.2); c.1871T>C, p.Leu624Pro (NM_001281493.2, NM_001281494.2); short protein forms L926P, L624P, L796P.
Identifiers: ClinVar variation 410536 (VCV000410536.10), dbSNP rs1060502948, ClinGen allele CA16611157.